The following is an entry in ClinVar:

NM_020921.4(NIN):c.5443G>A (p.Gly1815Ser)

Gene: NIN (ninein; minus strand). Cytogenetic location: 14q22.1.
Variant type: single nucleotide variant.
Coding change: c.5443G>A on transcript NM_020921.4 (MANE Select); coding-DNA position 5443, G replaced by A.
Protein change: p.Gly1815Ser; replaces glycine 1815 with serine.
Molecular consequence: missense variant.
Genome position (GRCh38, 1-based): chr14:50,741,587, C>T on the plus strand (G>A on the coding strand, the complement: NIN is on the minus strand). VCF-style: chr14-50741587-C-T. GRCh37 (hg19) VCF-style: chr14-51208305-C-T.
Other names: c.3304G>A, p.Gly1102Ser (NM_016350.5); c.5443G>A, p.Gly1815Ser (NM_182944.3, NM_182946.2); short protein forms G1815S, G1102S.
Identifiers: ClinVar variation 2755401 (VCV002755401.3), dbSNP rs760009965, ClinGen allele CA7181285.

ClinVar aggregate classification (germline): Uncertain significance (1 of 4 stars; one submission).

Allele frequency attached by ClinVar (database versions not stated): gnomAD exomes 0.00001; TOPMed 0.00001; ExAC 0.00002; gnomAD 0.00002.
gnomAD v4.1: 14 of 1,613,078 alleles (0.00087%); highest among the groups gnomAD compares: South Asian, 0.0077%; no homozygotes.

Submission:

Labcorp Genetics (formerly Invitae), Labcorp
Classification: Uncertain significance. Last evaluated: 2022-11-24. Review status: criteria provided, single submitter. Criteria: Invitae Variant Classification Sherloc (09022015). Collection method: clinical testing. Allele origin: germline.
Comment: This sequence change replaces glycine, which is neutral and non-polar, with serine, which is neutral and polar, at codon 1815 of the NIN protein (p.Gly1815Ser). This variant is present in population databases (rs760009965, gnomAD 0.01%). This variant has not been reported in the literature in individuals affected with NIN-related conditions. Algorithms developed to predict the effect of missense changes on protein structure and function (SIFT, PolyPhen-2, Align-GVGD) all suggest that this variant is likely to be tolerated. In summary, the available evidence is currently insufficient to determine the role of this variant in disease. Therefore, it has been classified as a Variant of Uncertain Significance.